The following is an entry in ClinVar:

NM_001042646.3(TRAK1):c.2313C>T (p.Tyr771=)

Gene: TRAK1 (trafficking kinesin protein 1; plus strand). Cytogenetic location: 3p22.1.
Variant type: single nucleotide variant.
Coding change: c.2313C>T on transcript NM_001042646.3 (MANE Select); coding-DNA position 2313, C replaced by T.
Protein change: p.Tyr771=; no amino-acid change (tyrosine 771 retained).
Molecular consequence: synonymous variant. On other transcripts: 3 prime UTR variant (1), non-coding transcript variant (1).
Genome position (GRCh38, 1-based): chr3:42,223,188, C>T. VCF-style: chr3-42223188-C-T. GRCh37 (hg19) VCF-style: chr3-42264680-C-T.
Other names: c.1938C>T, p.Tyr646= (NM_001349245.1); c.2250C>T, p.Tyr750= (NM_001349246.2); c.*267C>T (NM_001349247.2); c.2028C>T, p.Tyr676= (NM_001349248.1); c.2091C>T, p.Tyr697= (NM_001349249.1); c.2139C>T, p.Tyr713= (NM_001410741.1).
Identifiers: ClinVar variation 2653709 (VCV002653709.22), dbSNP rs760352110, ClinGen allele CA2333829.
Genomic context (GRCh38, chr3:42,223,188, plus strand): 5'-TGCCGTGTACGACCCCCAGAGCTGGGACAGGGCCGGCCGGGGCTCCCTCCTGCACTCCTA[C>T]ACGCCCAAGATGGCTGTGATCCCCTCTACTCCGCCGAACTCGCCTATGCAGACACCCACA-3'
Protein context (NP_001036111.1, residues 761-781): RAGRGSLLHS[Tyr771=]TPKMAVIPST

ClinVar aggregate classification (germline): Likely benign (1 of 4 stars; one submission).

Allele frequency attached by ClinVar (database versions not stated): gnomAD exomes below 0.00001; ExAC 0.00001; gnomAD 0.00001.
gnomAD v4.1: 7 of 1,614,190 alleles (0.00043%); highest among the groups gnomAD compares: Middle Eastern, 0.066%; no homozygotes.

Submission:

CeGaT Center for Human Genetics Tuebingen
Classification: Likely benign. Last evaluated: 2022-11-01. Review status: criteria provided, single submitter. Criteria: CeGaT Center For Human Genetics Tuebingen Variant Classification Criteria Version 2. Collection method: clinical testing. Allele origin: germline. Affected: yes. Observed: 1 variant allele.
Comment: TRAK1: BP4, BP7